The following is an entry in ClinVar:

ClinVar aggregate classification (germline): Uncertain significance (1 of 4 stars; one submission).

Allele frequency attached by ClinVar (database versions not stated): gnomAD exomes below 0.00001.
gnomAD v4.1: 3 of 1,613,504 alleles (0.00019%); highest among the groups gnomAD compares: Non-Finnish European, 0.00025%; no homozygotes.

Submission:

Labcorp Genetics (formerly Invitae), Labcorp
Classification: Uncertain significance. Last evaluated: 2024-01-29. Review status: criteria provided, single submitter. Criteria: Invitae Variant Classification Sherloc (09022015). Collection method: clinical testing. Allele origin: germline.
Comment: This sequence change replaces serine, which is neutral and polar, with arginine, which is basic and polar, at codon 1114 of the POLR1A protein (p.Ser1114Arg). This variant is not present in population databases (gnomAD no frequency). This variant has not been reported in the literature in individuals affected with POLR1A-related conditions. Advanced modeling of protein sequence and biophysical properties (such as structural, functional, and spatial information, amino acid conservation, physicochemical variation, residue mobility, and thermodynamic stability) performed at Invitae indicates that this missense variant is not expected to disrupt POLR1A protein function with a negative predictive value of 80%. In summary, the available evidence is currently insufficient to determine the role of this variant in disease. Therefore, it has been classified as a Variant of Uncertain Significance.

NM_015425.6(POLR1A):c.3342C>G (p.Ser1114Arg)

Gene: POLR1A (RNA polymerase I subunit A; minus strand). Cytogenetic location: 2p11.2.
Variant type: single nucleotide variant.
Coding change: c.3342C>G on transcript NM_015425.6 (MANE Select); coding-DNA position 3342, C replaced by G.
Protein change: p.Ser1114Arg; replaces serine 1114 with arginine.
Molecular consequence: missense variant.
Genome position (GRCh38, 1-based): chr2:86,042,989, G>C on the plus strand (C>G on the coding strand, the complement: POLR1A is on the minus strand). VCF-style: chr2-86042989-G-C. GRCh37 (hg19) VCF-style: chr2-86270112-G-C.
Other names: short protein forms S1114R.
Identifiers: ClinVar variation 2974614 (VCV002974614.3), dbSNP rs1672644107, ClinGen allele CA347537585.
Genomic context (GRCh38, chr2:86,042,989, plus strand): 5'-AGCCTGGACGTGCTGGACATTAAGGACACCACCTCCCTGCATCACCTCCTGAGTCCCAGG[G>C]CTGCGGCCATTGCGGTTTTCACTCTCAAGTTTCAGGGCTTTCACAGCTTCCTGAATTTTC-3'
Protein context (NP_056240.2, residues 1104-1124): KLESENRNGR[Ser1114Arg]PGTQEMLRMW